The following is an entry in ClinVar:

NC_000016.9:g.(23634452_23635329)_(23635416_23637556)del

Gene: PALB2 (partner and localizer of BRCA2; minus strand). Cytogenetic location: 16p12.2.
Variant type: Deletion.
Identifiers: ClinVar variation 3063719 (VCV003063719.1).

ClinVar aggregate classification (germline): Pathogenic (1 of 4 stars; one submission).

Conditions:
Malignant tumor of breast. Also called: Malignant breast neoplasm; Cancer breast. Identifiers: MedGen C0006142, MONDO:0007254. Disease mechanism: loss of function.

Submission:

Women's Health and Genetics/Laboratory Corporation of America, LabCorp
Classification: Pathogenic for Malignant tumor of breast. Last evaluated: 2024-01-30. Review status: criteria provided, single submitter. Criteria: LabCorp Variant Classification Summary - May 2015. Collection method: clinical testing. Allele origin: germline.
Comment: Variant summary: The variant involves the deletion of exon 8 in the PALB2 gene. A presumed nomenclature of c.(2748+1_2749-1)_(2834+1_2835-1)del has been designated for the purposes of this classification. This Copy Number Variant (CNV) is expected to alter the reading frame and predicted to result in a truncation or absence of the encoded protein due to nonsense mediated decay (NMD). The variant was absent in 120378 control chromosomes in the gnomAD database (Structural Variants v4.0 dataset). c.(2748+1_2749-1)_(2834+1_2835-1)del has been reported in the literature in individuals affected with Breast Cancer (e.g. Yang_2020, Park_2022). These data indicate that the variant may be associated with disease. To our knowledge, no experimental evidence demonstrating an impact on protein function has been reported. The following publications have been ascertained in the context of this evaluation (PMID: 31841383, 34793666). ClinVar contains an entry for this variant (Variation ID: 584173). Based on the evidence outlined above, the variant was classified as pathogenic.

Literature cited by the submitters: PubMed 31841383; PubMed 34793666.